The following is an entry in ClinVar:

ClinVar aggregate classification (germline): Pathogenic. Review status: criteria provided, multiple submitters, no conflicts (2 of 4 stars). 3 submissions from 3 submitters: Pathogenic (2). 1 of the submissions does not count toward it. Last evaluated 2025-10-19.

Conditions:
ENG-related disorder. Also called: ENG-related condition; ENG-related disorders.
Hereditary hemorrhagic telangiectasia (HHT). Also called: Osler hemorrhagic telangiectasia syndrome; ORW DISEASE; Osler Weber Rendu syndrome; OSLER-RENDU-WEBER DISEASE. Identifiers: Orphanet 774, MedGen C0039445, MONDO:0019180. Disease mechanism: loss of function.

Submissions (3):

Labcorp Genetics (formerly Invitae), Labcorp
Classification: Pathogenic for Hereditary hemorrhagic telangiectasia. Last evaluated: 2025-10-19. Review status: criteria provided, single submitter. Criteria: Invitae Variant Classification Sherloc (09022015). Collection method: clinical testing. Allele origin: germline.
Comment: This sequence change creates a premature translational stop signal (p.Thr200Valfs*23) in the ENG gene. It is expected to result in an absent or disrupted protein product. Loss-of-function variants in ENG are known to be pathogenic (PMID: 15879500). This variant is not present in population databases (gnomAD no frequency). This premature translational stop signal has been observed in individual(s) with hereditary hemorrhagic telangiectasia (PMID: 15266205). This variant is also known as c.596_597insCG. ClinVar contains an entry for this variant (Variation ID: 503943). For these reasons, this variant has been classified as Pathogenic.

GeneDx
Classification: Pathogenic. Last evaluated: 2017-12-21. Review status: criteria provided, single submitter. Criteria: GeneDx Variant Classification (06012015). Collection method: clinical testing. Allele origin: germline. Affected: yes.
Comment: The c.595_596dupCG pathogenic variant has been reported in association with HHT (Bayrak-Toydemir et al., 2004). This pathogenic variant causes a shift in reading frame starting at codon threonine 200, changing it to a valine, and creating a premature stop codon at position 23 of the new reading frame, denoted p.Thr200ValfsX23. This pathogenic variant is expected to result in either an abnormal, truncated protein product or loss of protein from this allele through nonsense-mediated mRNA decay. Other frameshift variants in the ENG gene have been reported in Human Gene Mutation Database in association with HHT (Stenson et al., 2014), indicating that loss of function is a mechanism of disease for this gene. Furthermore, the c.595_596dupCG variant has not been observed in large population cohorts (Lek et al., 2016).

PreventionGenetics, part of Exact Sciences
Classification: Pathogenic for ENG-related condition. Last evaluated: 2024-05-26. Review status: no assertion criteria provided. Collection method: clinical testing. Allele origin: germline. Not counted in ClinVar's aggregate classification.
Comment: The ENG c.595_596dupCG variant is predicted to result in a frameshift and premature protein termination (p.Thr200Valfs*23). This variant was reported in individuals with hereditary hemorrhagic telangiectasia (HHT) (reported as c.596_597insCG in Bayrak-Toydemir et al. 2004. PubMed ID: 15266205; Table S1 in McDonald et al. 2020. PubMed ID: 32300199). This variant has not been reported in a large population database, indicating this variant is rare. Frameshift variants in ENG are expected to be pathogenic. This variant is interpreted as pathogenic.

Literature cited by the submitters: PubMed 15879500 (cited by Labcorp Genetics (formerly Invitae), Labcorp); PubMed 15266205 (cited by Labcorp Genetics (formerly Invitae), Labcorp).

NM_001114753.3(ENG):c.595_596dup (p.Thr200fs)

Gene: ENG (endoglin; minus strand). Cytogenetic location: 9q34.11.
Variant type: Microsatellite.
Coding change: c.595_596dup on transcript NM_001114753.3 (MANE Select); coding-DNA positions 595 to 596, 2 bases duplicated (CG; older notation c.595_596dupCG).
Protein change: p.Thr200fs; shifts the reading frame from threonine 200.
Molecular consequence: frameshift variant.
Genome position (GRCh38, 1-based): chr9:127,825,788-127,825,789, CG duplicated on the plus strand (CG on the coding strand, the reverse complement: ENG is on the minus strand); duplicating any 2 consecutive bases within chr9:127,825,788-127,825,791 gives the same sequence; the c. name uses the placement nearest the transcript's 3' end. VCF-style (leftmost placement, unchanged base first): chr9-127825787-A-ACG. GRCh37 (hg19) VCF-style: chr9-130588066-A-ACG.
Other names: c.593_594CG[3], p.Thr200Valfs (NM_000118.4, NM_001406715.1); c.49_50dup, p.Thr18fs (NM_001278138.2); short protein forms T200fs, T18fs.
Identifiers: ClinVar variation 503943 (VCV000503943.12), dbSNP rs1554810405, ClinGen allele CA658797293.
Genomic context (GRCh38, chr9:127,825,787, plus strand): 5'-GTGCGCCTCCTTGTGGCCGGCCACGCCTTCCAAGTGGCAGCCCCGGACCAAGGCTGGAGT[A>ACG]CGCGGCCGCCACTCGAGCGTGCGGCCCATGTCCTGGCTGGCTTCCAGCATGCAGAAGGAC-3'